The following is an entry in ClinVar:

NM_003239.5(TGFB3):c.83C>T (p.Thr28Ile)

Gene: TGFB3 (transforming growth factor beta 3; minus strand). Cytogenetic location: 14q24.3.
Variant type: single nucleotide variant.
Coding change: c.83C>T on transcript NM_003239.5 (MANE Select); coding-DNA position 83, C replaced by T.
Protein change: p.Thr28Ile; replaces threonine 28 with isoleucine.
Molecular consequence: missense variant.
Genome position (GRCh38, 1-based): chr14:75,980,811, G>A on the plus strand (C>T on the coding strand, the complement: TGFB3 is on the minus strand). VCF-style: chr14-75980811-G-A. GRCh37 (hg19) VCF-style: chr14-76447154-G-A.
Other names: c.83C>T, p.Thr28Ile (NM_001329938.2, NM_001329939.2); c.83C>T (NM_003239.2); short protein forms T28I.
Identifiers: ClinVar variation 837955 (VCV000837955.9), dbSNP rs2035419470, ClinGen allele CA390471697.

ClinVar aggregate classification (germline): Uncertain significance. Review status: criteria provided, multiple submitters, no conflicts (2 of 4 stars). 2 submissions from 2 submitters: Uncertain significance (2). Last evaluated 2025-06-10.

Conditions:
Familial thoracic aortic aneurysm and aortic dissection (TAAD). Also called: Thoracic aortic aneurysms and dissections. Identifiers: Orphanet 91387, MedGen C4707243, MONDO:0019625.
Rienhoff syndrome. Also called: LOEYS-DIETZ SYNDROME 5. Identifiers: MedGen C3810012, MONDO:0014262, OMIM 615582.

Submissions (2):

Labcorp Genetics (formerly Invitae), Labcorp
Classification: Uncertain significance for Rienhoff syndrome. Last evaluated: 2025-06-10. Review status: criteria provided, single submitter. Criteria: Invitae Variant Classification Sherloc (09022015). Collection method: clinical testing. Allele origin: germline.
Comment: This sequence change replaces threonine, which is neutral and polar, with isoleucine, which is neutral and non-polar, at codon 28 of the TGFB3 protein (p.Thr28Ile). This variant is not present in population databases (gnomAD no frequency). This variant has not been reported in the literature in individuals affected with TGFB3-related conditions. ClinVar contains an entry for this variant (Variation ID: 837955). An algorithm developed to predict the effect of missense changes on protein structure and function (PolyPhen-2) suggests that this variant is likely to be disruptive. In summary, the available evidence is currently insufficient to determine the role of this variant in disease. Therefore, it has been classified as a Variant of Uncertain Significance.

Ambry Genetics
Classification: Uncertain significance for Familial thoracic aortic aneurysm and aortic dissection. Last evaluated: 2023-11-08. Review status: criteria provided, single submitter. Criteria: Ambry Variant Classification Scheme 2023. Collection method: clinical testing. Allele origin: germline.
Comment: The p.T28I variant (also known as c.83C>T), located in coding exon 1 of the TGFB3 gene, results from a C to T substitution at nucleotide position 83. The threonine at codon 28 is replaced by isoleucine, an amino acid with similar properties. This amino acid position is conserved. In addition, the in silico prediction for this alteration is inconclusive. Since supporting evidence is limited at this time, the clinical significance of this alteration remains unclear.